The following is an entry in ClinVar:

ClinVar aggregate classification (germline): Uncertain significance (1 of 4 stars; one submission).

Submission:

Labcorp Genetics (formerly Invitae), Labcorp
Classification: Uncertain significance. Last evaluated: 2022-08-01. Review status: criteria provided, single submitter. Criteria: Invitae Variant Classification Sherloc (09022015). Collection method: clinical testing. Allele origin: germline.
Comment: In summary, the available evidence is currently insufficient to determine the role of this variant in disease. Therefore, it has been classified as a Variant of Uncertain Significance. This premature translational stop signal has been observed in individual(s) with APOA5-related conditions (PMID: 24788417, 30150141). This variant is present in population databases (no rsID available, gnomAD 0.003%). This sequence change creates a premature translational stop signal (p.Tyr110Leufs*158) in the APOA5 gene. While this is not anticipated to result in nonsense mediated decay, it is expected to disrupt the last 257 amino acid(s) of the APOA5 protein.

Literature cited by the submitters: PubMed 24788417; PubMed 30150141.

NM_001371904.1(APOA5):c.327dup (p.Tyr110fs)

Gene: APOA5 (apolipoprotein A5; minus strand). Cytogenetic location: 11q23.3.
Variant type: Duplication.
Coding change: c.327dup on transcript NM_001371904.1 (MANE Select); coding-DNA position 327, one base duplicated (C; older notation c.327dupC).
Protein change: p.Tyr110fs; shifts the reading frame from tyrosine 110.
Molecular consequence: frameshift variant.
Genome position (GRCh38, 1-based): chr11:116,790,902, G duplicated on the plus strand (C on the coding strand, the reverse complement: APOA5 is on the minus strand); the first of 3 consecutive G bases (chr11:116,790,902-116,790,904); duplicating any one gives the same sequence. VCF-style (leftmost placement, unchanged base first): chr11-116790901-A-AG. GRCh37 (hg19) VCF-style: chr11-116661617-A-AG.
Other names: c.327dup, p.Tyr110fs (NM_001166598.2, NM_052968.5); short protein forms Y110fs.
Identifiers: ClinVar variation 2137254 (VCV002137254.4), dbSNP rs1470257190, ClinGen allele CA477047815.